The following is an entry in ClinVar:

ClinVar aggregate classification (germline): Uncertain significance (1 of 4 stars; one submission).

Submission:

GeneDx
Classification: Uncertain significance. Last evaluated: 2023-12-14. Review status: criteria provided, single submitter. Criteria: GeneDx Variant Classification Process June 2021. Collection method: clinical testing. Allele origin: germline. Affected: yes.
Comment: Not observed at significant frequency in large population cohorts (gnomAD); In silico analysis supports that this missense variant has a deleterious effect on protein structure/function; Has not been previously published as pathogenic or benign to our knowledge

NM_007118.4(TRIO):c.2738A>C (p.Gln913Pro)

Gene: TRIO (trio Rho guanine nucleotide exchange factor; plus strand). Cytogenetic location: 5p15.2.
Variant type: single nucleotide variant.
Coding change: c.2738A>C on transcript NM_007118.4 (MANE Select); coding-DNA position 2738, A replaced by C.
Protein change: p.Gln913Pro; replaces glutamine 913 with proline.
Molecular consequence: missense variant. On other transcripts: non-coding transcript variant (1).
Genome position (GRCh38, 1-based): chr5:14,364,800, A>C. VCF-style: chr5-14364800-A-C. GRCh37 (hg19) VCF-style: chr5-14364909-A-C.
Other names: short protein forms Q913P.
Identifiers: ClinVar variation 3340749 (VCV003340749.1).
Genomic context (GRCh38, chr5:14,364,800, plus strand): 5'-ATTTAGCCGCAGAGCAGCATCGGAAACACCTGGAGCAGTGCGTGCAGCTGCGCCACCTGC[A>C]GGCAGAAGTGAAACAGGTGAGCAAACGACTGGATGCTTGGGGAGGCTGCGCTACAGATGC-3'
Protein context (NP_009049.2, residues 903-923): LEQCVQLRHL[Gln913Pro]AEVKQVLGWI